The following is an entry in ClinVar:

ClinVar aggregate classification (germline): Pathogenic/Likely pathogenic. Review status: criteria provided, multiple submitters, no conflicts (2 of 4 stars). 2 submissions from 2 submitters: Pathogenic (1); Likely pathogenic (1). Last evaluated 2022-05-25.

Conditions:
Developmental and epileptic encephalopathy, 85, with or without midline brain defects. Also called: EPILEPTIC ENCEPHALOPATHY, EARLY INFANTILE, 85, WITH OR WITHOUT MIDLINE BRAIN DEFECTS. Identifiers: MedGen C5393312, MONDO:0026771, OMIM 301044.

Submissions (2):

Institute of Human Genetics, University of Leipzig Medical Center
Classification: Pathogenic for Developmental and epileptic encephalopathy, 85, with or without midline brain defects. Last evaluated: 2022-05-25. Review status: criteria provided, single submitter. Criteria: ACMG Guidelines, 2015. Collection method: clinical testing. Allele origin: de novo. Affected: yes.
Comment: This variant was identified as de novo (maternity and paternity confirmed)._x000D_ Criteria applied: PVS1, PS2_MOD, PM2_SUP

Solve-RD Consortium
Classification: Likely pathogenic for Developmental and epileptic encephalopathy, 85, with or without midline brain defects. Review status: criteria provided, single submitter. Criteria: ACMG Guidelines, 2015. Collection method: provider interpretation. Allele origin: germline. Inheritance: Autosomal dominant inheritance. Affected: yes. Study: Solve-RD DIFT-EpiCARE reanalysis.
Comment: PVS1, PM2

Variant identified during reanalysis of unsolved cases by the Solve-RD project. The Solve-RD project has received funding from the European Union’s Horizon 2020 research and innovation programme under grant agreement No 779257.

NM_006306.4(SMC1A):c.2076del (p.Lys692fs)

Gene: SMC1A (structural maintenance of chromosomes 1A; minus strand). Cytogenetic location: Xp11.22.
Variant type: Deletion.
Coding change: c.2076del on transcript NM_006306.4 (MANE Select); coding-DNA position 2076, one base deleted (A; older notation c.2076delA).
Protein change: p.Lys692fs; shifts the reading frame from lysine 692.
Molecular consequence: frameshift variant.
Genome position (GRCh38, 1-based): chrX:53,405,132, T deleted on the plus strand (A on the coding strand, the reverse complement: SMC1A is on the minus strand); the first of 4 consecutive T bases (chrX:53,405,132-53,405,135); deleting any one gives the same sequence. VCF-style (leftmost placement, unchanged base first): chrX-53405131-GT-G. GRCh37 (hg19) VCF-style: chrX-53432063-GT-G.
Other names: c.2010del, p.Lys670fs (NM_001281463.1); short protein forms K670fs, K692fs.
Identifiers: ClinVar variation 1691864 (VCV001691864.2), dbSNP rs2146599361, ClinGen allele CA2573158988.
Genomic context (GRCh38, chrX:53,405,131, plus strand): 5'-TGAGCCGCATCTGCAGTCCATGGGCCTGAGACTGCACCTGACGCAGCTCTGCCTCTTTCC[GT>G]TTTGCCTTCATCTGCTCCTGAAGGGAACAAGAAAGAAGGGCTAGGTGGTAAGGTGGTGGC-3'